The following is an entry in ClinVar:

ClinVar aggregate classification (germline): Uncertain significance (1 of 4 stars; one submission).

Allele frequency attached by ClinVar (database versions not stated): gnomAD 0.00001.
gnomAD v4.1: 4 of 1,551,692 alleles (0.00026%); highest among the groups gnomAD compares: Non-Finnish European, 0.00035%; no homozygotes.

Submission:

CeGaT Center for Human Genetics Tuebingen
Classification: Uncertain significance. Last evaluated: 2023-09-01. Review status: criteria provided, single submitter. Criteria: CeGaT Center For Human Genetics Tuebingen Variant Classification Criteria Version 2. Collection method: clinical testing. Allele origin: germline. Affected: yes. Observed: 1 variant allele.
Comment: BICRA: PM2

NM_001394372.1(BICRA):c.3832G>T (p.Ala1278Ser)

Gene: BICRA (BRD4 interacting chromatin remodeling complex associated protein; plus strand). Cytogenetic location: 19q13.33.
Variant type: single nucleotide variant.
Coding change: c.3832G>T on transcript NM_001394372.1 (MANE Select); coding-DNA position 3832, G replaced by T.
Protein change: p.Ala1278Ser; replaces alanine 1278 with serine.
Molecular consequence: missense variant.
Genome position (GRCh38, 1-based): chr19:47,701,564, G>T. VCF-style: chr19-47701564-G-T. GRCh37 (hg19) VCF-style: chr19-48204821-G-T.
Other names: c.3832G>T, p.Ala1278Ser (NM_015711.3); short protein forms A1278S.
Identifiers: ClinVar variation 2650182 (VCV002650182.24), dbSNP rs1016769413, ClinGen allele CA309195697.
Genomic context (GRCh38, chr19:47,701,564, plus strand): 5'-TCGGTCACCTGGGCCCGGGCGTCCTCCTCCCTGTCCTCCTCTTCCTCCTCCTCCTCTGCC[G>T]CCTCCTCCTTGGACGCCGACGAGGACGGCCCCATGCCCTCCCGCAACCGCCCGCCCATCA-3'
Protein context (NP_001381301.1, residues 1268-1288): LSSSSSSSSA[Ala1278Ser]SSLDADEDGP